The following is an entry in ClinVar:

NM_000038.6(APC):c.6572G>A (p.Gly2191Glu)

Gene: APC (APC regulator of Wnt signaling pathway; plus strand). Cytogenetic location: 5q22.2.
Variant type: single nucleotide variant.
Coding change: c.6572G>A on transcript NM_000038.6 (MANE Select); coding-DNA position 6572, G replaced by A.
Protein change: p.Gly2191Glu; replaces glycine 2191 with glutamic acid.
Molecular consequence: missense variant.
Genome position (GRCh38, 1-based): chr5:112,842,166, G>A. VCF-style: chr5-112842166-G-A. GRCh37 (hg19) VCF-style: chr5-112177863-G-A.
Other names: c.6572G>A, p.Gly2191Glu (NM_001127510.3, NM_001354895.2); c.6518G>A, p.Gly2173Glu (NM_001127511.3); c.6626G>A, p.Gly2209Glu (NM_001354896.2); c.6602G>A, p.Gly2201Glu (NM_001354897.2); c.6497G>A, p.Gly2166Glu (NM_001354898.2); c.6488G>A, p.Gly2163Glu (NM_001354899.2); c.6449G>A, p.Gly2150Glu (NM_001354900.2); c.6395G>A, p.Gly2132Glu (NM_001354901.2); and 5 more; short protein forms G2065E, G2090E, G2132E, G2201E, G2209E, G2031E, G2166E, G2173E.
Identifiers: ClinVar variation 1044388 (VCV001044388.10), dbSNP rs1766248230, ClinGen allele CA16035709.

ClinVar aggregate classification (germline): Uncertain significance (1 of 4 stars; one submission).

Conditions:
Familial adenomatous polyposis 1 (FAP1). Also called: FAMILIAL ADENOMATOUS POLYPOSIS 1, ATTENUATED; POLYPOSIS, ADENOMATOUS INTESTINAL. Identifiers: MedGen C2713442, MONDO:0021056, OMIM 175100. Disease mechanism: loss of function.

Submission:

Labcorp Genetics (formerly Invitae), Labcorp
Classification: Uncertain significance for Familial adenomatous polyposis 1. Last evaluated: 2020-08-14. Review status: criteria provided, single submitter. Criteria: Invitae Variant Classification Sherloc (09022015). Collection method: clinical testing. Allele origin: germline.
Comment: This sequence change replaces glycine with glutamic acid at codon 2191 of the APC protein (p.Gly2191Glu). The glycine residue is highly conserved and there is a moderate physicochemical difference between glycine and glutamic acid. This variant is not present in population databases (ExAC no frequency). This variant has not been reported in the literature in individuals with APC-related conditions. Algorithms developed to predict the effect of missense changes on protein structure and function are either unavailable or do not agree on the potential impact of this missense change (SIFT: "Deleterious"; PolyPhen-2: "Probably Damaging"; Align-GVGD: "Class C0"). In summary, the available evidence is currently insufficient to determine the role of this variant in disease. Therefore, it has been classified as a Variant of Uncertain Significance.